The following is an entry in ClinVar:

NM_000059.4(BRCA2):c.9378G>A (p.Gln3126=)

Gene: BRCA2 (BRCA2 DNA repair associated; plus strand). Cytogenetic location: 13q13.1.
Variant type: single nucleotide variant.
Coding change: c.9378G>A on transcript NM_000059.4 (MANE Select); coding-DNA position 9378, G replaced by A.
Protein change: p.Gln3126=; no amino-acid change (glutamine 3126 retained).
Molecular consequence: synonymous variant.
Genome position (GRCh38, 1-based): chr13:32,394,810, G>A. VCF-style: chr13-32394810-G-A. GRCh37 (hg19) VCF-style: chr13-32968947-G-A.
Identifiers: ClinVar variation 187130 (VCV000187130.44), dbSNP rs786203495, ClinGen allele CA026125.

ClinVar aggregate classification (germline): Likely benign. Review status: reviewed by expert panel (3 of 4 stars). 6 submissions from 6 submitters: Likely benign (1). 5 of the submissions do not count toward it. Last evaluated 2017-06-29.

Conditions:
BRCA2-related disorder. Also called: BRCA2-related condition; BRCA2-related disorders. Identifiers: MedGen CN239275.
Hereditary cancer-predisposing syndrome. Also called: Tumor predisposition; Neoplastic Syndromes, Hereditary; Hereditary Cancer Syndrome; Hereditary neoplastic syndrome. Identifiers: Orphanet 140162, MedGen C0027672, MeSH D009386, MONDO:0015356.
Hereditary breast ovarian cancer syndrome. Also called: Hereditary breast and ovarian cancer; Hereditary breast and ovarian cancer syndrome (HBOC); Breast and ovarian cancer; Hereditary breast and/or ovarian cancer syndrome; BRCA1- and BRCA2-Associated Hereditary Breast and Ovarian Cancer; Hereditary breast and ovarian cancer syndrome. Identifiers: Orphanet 145, MedGen C0677776, MeSH D061325, MONDO:0003582. Disease mechanism: loss of function.
Breast-ovarian cancer, familial, susceptibility to, 2 (BROVCA2). Also called: BRCA2 Hereditary Breast and Ovarian Cancer. Identifiers: Orphanet 145, MedGen C2675520, MONDO:0012933, OMIM 612555. Disease mechanism: loss of function.

Allele frequency attached by ClinVar (database versions not stated): TOPMed below 0.00001.
gnomAD v4.1: 1 of 1,614,110 alleles (0.000062%); highest among the groups gnomAD compares: Non-Finnish European, 0.000085%; no homozygotes.

Submissions (6):

Evidence-based Network for the Interpretation of Germline Mutant Alleles (ENIGMA)
Classification: Likely benign for Breast-ovarian cancer, familial, susceptibility to, 2. Last evaluated: 2017-06-29. Review status: reviewed by expert panel. Criteria: ENIGMA BRCA1/2 Classification Criteria (2017-06-29). Collection method: curation. Allele origin: germline.
Comment: Synonymous substitution variant, with low bioinformatic likelihood to result in a splicing aberration (Splicing prior probability 0.02).

Labcorp Genetics (formerly Invitae), Labcorp
Classification: Likely benign for Hereditary breast ovarian cancer syndrome. Last evaluated: 2026-01-07. Review status: criteria provided, single submitter. Criteria: Invitae Variant Classification Sherloc (09022015). Collection method: clinical testing. Allele origin: germline. Not counted in ClinVar's aggregate classification.

CeGaT Center for Human Genetics Tuebingen
Classification: Likely benign. Last evaluated: 2023-09-01. Review status: criteria provided, single submitter. Criteria: CeGaT Center For Human Genetics Tuebingen Variant Classification Criteria Version 2. Collection method: clinical testing. Allele origin: germline. Affected: yes. Observed: 1 variant allele. Not counted in ClinVar's aggregate classification.
Comment: BRCA2: PM2:Supporting, BP4, BP7

GeneDx
Classification: Likely benign. Last evaluated: 2015-10-19. Review status: criteria provided, single submitter. Criteria: GeneDx Variant Classification (06012015). Collection method: clinical testing. Allele origin: germline. Affected: yes. Not counted in ClinVar's aggregate classification.
Comment: This variant is considered likely benign or benign based on one or more of the following criteria: it is a conservative change, it occurs at a poorly conserved position in the protein, it is predicted to be benign by multiple in silico algorithms, and/or has population frequency not consistent with disease.

Ambry Genetics
Classification: Likely benign for Hereditary cancer-predisposing syndrome. Last evaluated: 2014-11-06. Review status: criteria provided, single submitter. Criteria: Ambry Variant Classification Scheme 2023. Collection method: clinical testing. Allele origin: germline. Not counted in ClinVar's aggregate classification.

PreventionGenetics, part of Exact Sciences
Classification: Likely benign for BRCA2-related condition. Last evaluated: 2023-02-16. Review status: no assertion criteria provided. Collection method: clinical testing. Allele origin: germline. Not counted in ClinVar's aggregate classification.
Comment: This variant is classified as likely benign based on ACMG/AMP sequence variant interpretation guidelines (Richards et al. 2015 PMID: 25741868, with internal and published modifications).